The following is an entry in ClinVar:

NM_000426.4(LAMA2):c.5085dup (p.Ala1696fs)

Gene: LAMA2 (laminin subunit alpha 2; plus strand). Cytogenetic location: 6q22.33.
Variant type: Duplication.
Coding change: c.5085dup on transcript NM_000426.4 (MANE Select); coding-DNA position 5085, one base duplicated (A; older notation c.5085dupA).
Protein change: p.Ala1696fs; shifts the reading frame from alanine 1696.
Molecular consequence: frameshift variant.
Genome position (GRCh38, 1-based): chr6:129,391,504, A duplicated; the last of 5 consecutive A bases (chr6:129,391,500-129,391,504); duplicating any one gives the same sequence. VCF-style (leftmost placement, unchanged base first): chr6-129391499-G-GA. GRCh37 (hg19) VCF-style: chr6-129712644-G-GA.
Other names: c.5085dup, p.Ala1696fs (NM_001079823.2); short protein forms A1696fs.
Identifiers: ClinVar variation 1333597 (VCV001333597.5), dbSNP rs1351661862, ClinGen allele CA818862099.

ClinVar aggregate classification (germline): Pathogenic/Likely pathogenic. Review status: criteria provided, multiple submitters, no conflicts (2 of 4 stars). 3 submissions from 3 submitters: Pathogenic (2); Likely pathogenic (1). Last evaluated 2024-08-26.

Conditions:
Merosin deficient congenital muscular dystrophy (MDC1A). Also called: Congenital Muscular Dystrophy Type 1A (MDC1A); Congenital merosin-deficient muscular dystrophy 1A. Identifiers: Orphanet 258, MedGen C1263858, MONDO:0011925, OMIM 607855.
LAMA2-related muscular dystrophy (LAMA2-RD). Also called: Laminin alpha 2-related dystrophy. Identifiers: MedGen C5679788, MONDO:0100228.

Submissions (3):

Myriad Genetics, Inc.
Classification: Pathogenic for LAMA2-related muscular dystrophy. Last evaluated: 2024-08-26. Review status: criteria provided, single submitter. Criteria: Myriad Autosomal Dominant, Autosomal Recessive and X-Linked Classification Criteria (2023). Collection method: clinical testing. Allele origin: unknown.
Comment: NM_000426.3(LAMA2):c.5085dupA(A1696Sfs*6) is expected to be pathogenic in the context of muscular dystrophy, LAMA2-related. This variant is predicted to lead to an abnormal or absent protein product due to the creation of a premature termination codon in LAMA2, a gene where loss-of-function variants are known to be pathogenic. Please note: this variant was assessed in the context of healthy population screening.

Labcorp Genetics (formerly Invitae), Labcorp
Classification: Pathogenic for LAMA2-related muscular dystrophy. Last evaluated: 2023-12-31. Review status: criteria provided, single submitter. Criteria: Invitae Variant Classification Sherloc (09022015). Collection method: clinical testing. Allele origin: germline.
Comment: This sequence change creates a premature translational stop signal (p.Ala1696Serfs*6) in the LAMA2 gene. It is expected to result in an absent or disrupted protein product. Loss-of-function variants in LAMA2 are known to be pathogenic (PMID: 18700894, 32904964). This variant is not present in population databases (gnomAD no frequency). This variant has not been reported in the literature in individuals affected with LAMA2-related conditions. ClinVar contains an entry for this variant (Variation ID: 1333597). For these reasons, this variant has been classified as Pathogenic.

3billion
Classification: Likely pathogenic for Merosin deficient congenital muscular dystrophy. Last evaluated: 2022-01-03. Review status: criteria provided, single submitter. Criteria: ACMG Guidelines, 2015. Collection method: clinical testing. Allele origin: germline. Affected: yes. Observed: 1 heterozygote.
Comment: Frameshift: predicted to result in a loss or disruption of normal protein function through nonsense-mediated decay (NMD) or protein truncation. Multiple pathogenic variants are reported downstream of the variant (PVS1_VS). It is not observed in the gnomAD v2.1.1 dataset (PM2_M). Therefore, this variant is classified as likely pathogenic according to the recommendation of ACMG/AMP guideline.

Literature cited by the submitters: PubMed 18700894 (cited by Labcorp Genetics (formerly Invitae), Labcorp); PubMed 32904964 (cited by Labcorp Genetics (formerly Invitae), Labcorp).